The following is an entry in ClinVar:

NM_001378418.1(TCF20):c.1729G>A (p.Ala577Thr)

Gene: TCF20 (transcription factor 20; minus strand). Cytogenetic location: 22q13.2.
Variant type: single nucleotide variant.
Coding change: c.1729G>A on transcript NM_001378418.1 (MANE Select); coding-DNA position 1729, G replaced by A.
Protein change: p.Ala577Thr; replaces alanine 577 with threonine.
Molecular consequence: missense variant.
Genome position (GRCh38, 1-based): chr22:42,213,577, C>T on the plus strand (G>A on the coding strand, the complement: TCF20 is on the minus strand). VCF-style: chr22-42213577-C-T. GRCh37 (hg19) VCF-style: chr22-42609583-C-T.
Other names: c.1729G>A, p.Ala577Thr (NM_005650.4, NM_181492.3); short protein forms A577T.
Identifiers: ClinVar variation 2474061 (VCV002474061.4), dbSNP rs538252151, ClinGen allele CA10267129.

ClinVar aggregate classification (germline): Conflicting classifications of pathogenicity. Review status: criteria provided, conflicting classifications (1 of 4 stars). 2 submissions from 2 submitters: Uncertain significance (1); Likely benign (1). Last evaluated 2025-05-02.

Conditions:
Inborn genetic diseases. Identifiers: MedGen C0950123, MeSH D030342.

Allele frequency attached by ClinVar (database versions not stated): 1000 Genomes Project 0.00020; TOPMed 0.00005; ExAC 0.00004; gnomAD 0.00005; 1000 Genomes Project 30x 0.00016.

Submissions (2):

Labcorp Genetics (formerly Invitae), Labcorp
Classification: Uncertain significance. Last evaluated: 2025-05-02. Review status: criteria provided, single submitter. Criteria: Invitae Variant Classification Sherloc (09022015). Collection method: clinical testing. Allele origin: germline.
Comment: This sequence change replaces alanine, which is neutral and non-polar, with threonine, which is neutral and polar, at codon 577 of the TCF20 protein (p.Ala577Thr). The frequency data for this variant in the population databases is considered unreliable, as metrics indicate poor data quality at this position in the gnomAD database. This variant has not been reported in the literature in individuals affected with TCF20-related conditions. ClinVar contains an entry for this variant (Variation ID: 2474061). An algorithm developed to predict the effect of missense changes on protein structure and function outputs the following: PolyPhen-2: "Benign". The threonine amino acid residue is found in multiple mammalian species, which suggests that this missense change does not adversely affect protein function. In summary, the available evidence is currently insufficient to determine the role of this variant in disease. Therefore, it has been classified as a Variant of Uncertain Significance.

Ambry Genetics
Classification: Likely benign for Inborn genetic diseases. Last evaluated: 2023-01-06. Review status: criteria provided, single submitter. Criteria: Ambry Variant Classification Scheme 2023. Collection method: clinical testing. Allele origin: germline.